The following is an entry in ClinVar:

NM_005477.3(HCN4):c.107G>T (p.Gly36Val)

Gene: HCN4 (hyperpolarization activated cyclic nucleotide gated potassium channel 4; minus strand). Cytogenetic location: 15q24.1.
Variant type: single nucleotide variant.
Coding change: c.107G>T on transcript NM_005477.3 (MANE Select); coding-DNA position 107, G replaced by T.
Protein change: p.Gly36Val; replaces glycine 36 with valine.
Molecular consequence: missense variant.
Genome position (GRCh38, 1-based): chr15:73,368,164, C>A on the plus strand (G>T on the coding strand, the complement: HCN4 is on the minus strand). VCF-style: chr15-73368164-C-A. GRCh37 (hg19) VCF-style: chr15-73660505-C-A.
Other names: short protein forms G36V.
Identifiers: ClinVar variation 2731057 (VCV002731057.3), dbSNP rs143090627, ClinGen allele CA393099008.

ClinVar aggregate classification (germline): Uncertain significance (1 of 4 stars; one submission).

Conditions:
Brugada syndrome 8 (BRGDA8). Identifiers: Orphanet 130, MedGen C2751083, MONDO:0013148, OMIM 613123.

gnomAD v4.1: 1 of 1,528,894 alleles (0.000065%); no homozygotes.

Submission:

Labcorp Genetics (formerly Invitae), Labcorp
Classification: Uncertain significance for Brugada syndrome 8. Last evaluated: 2023-08-20. Review status: criteria provided, single submitter. Criteria: Invitae Variant Classification Sherloc (09022015). Collection method: clinical testing. Allele origin: germline.
Comment: This sequence change replaces glycine, which is neutral and non-polar, with valine, which is neutral and non-polar, at codon 36 of the HCN4 protein (p.Gly36Val). This variant is not present in population databases (gnomAD no frequency). In summary, the available evidence is currently insufficient to determine the role of this variant in disease. Therefore, it has been classified as a Variant of Uncertain Significance. Advanced modeling of protein sequence and biophysical properties (such as structural, functional, and spatial information, amino acid conservation, physicochemical variation, residue mobility, and thermodynamic stability) performed at Invitae indicates that this missense variant is not expected to disrupt HCN4 protein function. This variant has not been reported in the literature in individuals affected with HCN4-related conditions.